The following is an entry in ClinVar:

NM_194248.3(OTOF):c.5203C>T (p.Arg1735Trp)

Gene: OTOF (otoferlin; minus strand). Cytogenetic location: 2p23.3.
Variant type: single nucleotide variant.
Coding change: c.5203C>T on transcript NM_194248.3 (MANE Select); coding-DNA position 5203, C replaced by T.
Protein change: p.Arg1735Trp; replaces arginine 1735 with tryptophan.
Molecular consequence: missense variant.
Genome position (GRCh38, 1-based): chr2:26,462,171, G>A on the plus strand (C>T on the coding strand, the complement: OTOF is on the minus strand). VCF-style: chr2-26462171-G-A. GRCh37 (hg19) VCF-style: chr2-26685039-G-A.
Other names: c.5203C>T, p.Arg1735Trp (NM_001287489.2); c.2902C>T, p.Arg968Trp (NM_004802.4, NM_194323.3); c.3133C>T, p.Arg1045Trp (NM_194322.3); short protein forms R1045W, R1735W, R968W.
Identifiers: ClinVar variation 1064992 (VCV001064992.5), dbSNP rs1172714485, ClinGen allele CA346132377.
Genomic context (GRCh38, chr2:26,462,171, plus strand): 5'-CCCCTGTGAAGAAGTCGTCGTCCTCCAAGACCACCTCATCTGTGTTCCAGATGATGACCC[G>A]CAGCTCGTACCTGGGCCCAGGGAGAGAAGGCTGGTTAGCAGCCCCAGGTGGGGGTTATGC-3'
Protein context (NP_919224.1, residues 1725-1745): SPRKPKKYEL[Arg1735Trp]VIIWNTDEVV

ClinVar aggregate classification (germline): Likely pathogenic. Review status: criteria provided, multiple submitters, no conflicts (2 of 4 stars). 3 submissions from 3 submitters: Likely pathogenic (2). 1 of the submissions does not count toward it. Last evaluated 2023-10-24.

Conditions:
Autosomal recessive nonsyndromic hearing loss 9. Also called: Deafness, autosomal recessive 9; NEUROSENSORY NONSYNDROMIC RECESSIVE DEAFNESS 9; OTOF-Related Hearing Loss; AUDITORY NEUROPATHY, AUTOSOMAL RECESSIVE, 1, TEMPERATURE-SENSITIVE. Identifiers: Orphanet 90636, MedGen C1832828, MONDO:0010986, OMIM 601071.
Hearing impairment. Also called: Impaired Hearing. Identifiers: MedGen C1384666, MONDO:0005365, HP:0000365.

Allele frequency attached by ClinVar (database versions not stated): gnomAD 0.00001; TOPMed 0.00001; gnomAD exomes below 0.00001.
gnomAD v4.1: 9 of 1,613,698 alleles (0.00056%); highest among the groups gnomAD compares: Non-Finnish European, 0.00059%; no homozygotes.

Submissions (3):

GeneDx
Classification: Likely pathogenic. Last evaluated: 2023-10-24. Review status: criteria provided, single submitter. Criteria: GeneDx Variant Classification Process June 2021. Collection method: clinical testing. Allele origin: germline. Affected: yes.
Comment: Observed with a second OTOF variant on the opposite allele (in trans) or phase unknown in multiple patients with hearing loss in published literature and referred for genetic testing at GeneDx (PMID: 31581539, 34753855); Not observed at significant frequency in large population cohorts (gnomAD); In silico analysis supports that this missense variant has a deleterious effect on protein structure/function; This variant is associated with the following publications: (PMID: 35884828, 31581539, 34753855)

Department of Otolaryngology – Head & Neck Surgery, Cochlear Implant Center
Classification: Likely pathogenic for Hearing impairment. Last evaluated: 2021-04-12. Review status: criteria provided, single submitter. Criteria: ClinGen HL ACMG Specifications v1. Collection method: clinical testing. Allele origin: germline. Affected: yes.
Comment: PS1_Strong, PM2_Moderate, PM5_Moderate, PP3_Supporting

Diagnosis and Treatment Center of Genetic Hearing Loss, Eye & ENT Hospital of Fudan University
Classification: Likely pathogenic for Autosomal recessive nonsyndromic hearing loss 9. Last evaluated: 2026-02-04. Review status: no assertion criteria provided. Collection method: clinical testing. Allele origin: germline. Inheritance: Autosomal recessive inheritance. Affected: yes. Not counted in ClinVar's aggregate classification.
Comment: The c.5203C>T (p.Arg1735Trp) missense variant in OTOF has a population frequency of 0.000004 (PM2_Supporting). The REVEL score is 0.869 (PP3_Moderate). The phenotype is consistent (PP4).

Literature cited by the submitters: PubMed 31581539 (cited by Department of Otolaryngology – Head & Neck Surgery, Cochlear Implant Center); PubMed 35884828 (cited by Diagnosis and Treatment Center of Genetic Hearing Loss, Eye & ENT Hospital of Fudan University).